The following is an entry in ClinVar:

ClinVar aggregate classification (germline): Pathogenic. Review status: reviewed by expert panel (3 of 4 stars). 2 submissions from 2 submitters: Pathogenic (1). 1 of the submissions does not count toward it. Last evaluated 2016-10-18.

Conditions:
Breast-ovarian cancer, familial, susceptibility to, 2 (BROVCA2). Also called: BRCA2 Hereditary Breast and Ovarian Cancer. Identifiers: Orphanet 145, MedGen C2675520, MONDO:0012933, OMIM 612555. Disease mechanism: loss of function.

Submissions (2):

Evidence-based Network for the Interpretation of Germline Mutant Alleles (ENIGMA)
Classification: Pathogenic for Breast-ovarian cancer, familial, susceptibility to, 2. Last evaluated: 2016-10-18. Review status: reviewed by expert panel. Criteria: ENIGMA BRCA1/2 Classification Criteria (2015). Collection method: curation. Allele origin: germline.
Comment: Variant allele predicted to encode a truncated non-functional protein.

Consortium of Investigators of Modifiers of BRCA1/2 (CIMBA), c/o University of Cambridge
Classification: Pathogenic for Breast-ovarian cancer, familial, susceptibility to, 2. Last evaluated: 2015-10-02. Review status: criteria provided, single submitter. Criteria: CIMBA Mutation Classification guidelines May 2016. Collection method: clinical testing. Allele origin: germline. Not counted in ClinVar's aggregate classification.

NM_000059.4(BRCA2):c.8466dup (p.Gln2823fs)

Gene: BRCA2 (BRCA2 DNA repair associated; plus strand). Cytogenetic location: 13q13.1.
Variant type: Duplication.
Coding change: c.8466dup on transcript NM_000059.4 (MANE Select); coding-DNA position 8466, one base duplicated (T; older notation c.8466dupT).
Protein change: p.Gln2823fs; shifts the reading frame from glutamine 2823.
Molecular consequence: frameshift variant.
Genome position (GRCh38, 1-based): chr13:32,370,536, T duplicated; the last of 2 consecutive T bases (chr13:32,370,535-32,370,536); duplicating either gives the same sequence. VCF-style (leftmost placement, unchanged base first): chr13-32370534-A-AT. GRCh37 (hg19) VCF-style: chr13-32944671-A-AT.
Other names: 8694insT-ter2844; short protein forms Q2823fs.
Identifiers: ClinVar variation 267088 (VCV000267088.5), dbSNP rs886040777, ClinGen allele CA10589498.